The following is an entry in ClinVar:

NM_001366145.2(TRPM3):c.769G>T (p.Val257Leu)

Gene: TRPM3 (transient receptor potential cation channel subfamily M member 3; minus strand). Cytogenetic location: 9q21.12.
Variant type: single nucleotide variant.
Coding change: c.769G>T on transcript NM_001366145.2 (MANE Select); coding-DNA position 769, G replaced by T.
Protein change: p.Val257Leu; replaces valine 257 with leucine.
Molecular consequence: missense variant.
Genome position (GRCh38, 1-based): chr9:70,843,035, C>A on the plus strand (G>T on the coding strand, the complement: TRPM3 is on the minus strand). VCF-style: chr9-70843035-C-A. GRCh37 (hg19) VCF-style: chr9-73457951-C-A.
Other names: c.310G>T, p.Val104Leu (NM_001007470.3, NM_001366154.2, NM_020952.6 and 6 more transcripts); c.769G>T, p.Val257Leu (NM_001007471.4, NM_001366146.2, NM_001366147.2 and 6 more transcripts); c.775G>T, p.Val259Leu (NM_001366141.2, NM_001366142.2, NM_001366143.2 and 1 more transcripts); short protein forms V104L, V257L, V259L.
Identifiers: ClinVar variation 4976083 (VCV004976083.1).

ClinVar aggregate classification (germline): Uncertain significance (1 of 4 stars; one submission).

Submission:

GeneDx
Classification: Uncertain significance. Last evaluated: 2026-02-04. Review status: criteria provided, single submitter. Criteria: GeneDx Variant Classification Process June 2021. Collection method: clinical testing. Allele origin: germline.
Comment: Not observed at significant frequency in large population cohorts (gnomAD); In silico analysis suggests that this missense variant does not alter protein structure/function; Has not been previously published as pathogenic or benign to our knowledge.